The following is an entry in ClinVar:

NM_001148.6(ANK2):c.9404G>T (p.Gly3135Val)

Gene: ANK2 (ankyrin 2; plus strand). Cytogenetic location: 4q26.
Variant type: single nucleotide variant.
Coding change: c.9404G>T on transcript NM_001148.6 (MANE Select); coding-DNA position 9404, G replaced by T.
Protein change: p.Gly3135Val; replaces glycine 3135 with valine.
Molecular consequence: missense variant. On other transcripts: intron variant (68).
Genome position (GRCh38, 1-based): chr4:113,358,022, G>T. VCF-style: chr4-113358022-G-T. GRCh37 (hg19) VCF-style: chr4-114279178-G-T.
Other names: c.9170G>T, p.Gly3057Val (NM_001386142.1); c.5804G>T, p.Gly1935Val (NM_001386166.1); c.9545G>T, p.Gly3182Val (NM_001386174.1); c.9521G>T, p.Gly3174Val (NM_001386175.1); c.4412-2801G>T (NM_001386186.2, NM_001386148.2); c.4214-2801G>T (NM_001354269.3); c.4292-2801G>T (NM_001386187.2); c.4253-2801G>T (NM_001386147.1); and 35 more; short protein forms G1935V, G3057V, G3135V, G3174V, G3182V.
Identifiers: ClinVar variation 1009018 (VCV001009018.7), dbSNP rs140683986, ClinGen allele CA3051910.

ClinVar aggregate classification (germline): Uncertain significance. Review status: criteria provided, multiple submitters, no conflicts (2 of 4 stars). 2 submissions from 2 submitters: Uncertain significance (2). Last evaluated 2022-07-25.

Conditions:
Cardiovascular phenotype. Identifiers: MedGen CN230736.
Long QT syndrome (LQTS). Identifiers: MedGen C0023976, MeSH D008133, MONDO:0002442. Disease mechanism: loss of function. Inheritance: Various modes of inheritance.

Allele frequency attached by ClinVar (database versions not stated): gnomAD 0.00001; gnomAD exomes 0.00001; ExAC 0.00002; TOPMed 0.00002; ESP Exome Variant Server 0.00008.
gnomAD v4.1: 3 of 1,613,880 alleles (0.00019%); highest among the groups gnomAD compares: African/African-American, 0.0013%; no homozygotes.

Submissions (2):

Labcorp Genetics (formerly Invitae), Labcorp
Classification: Uncertain significance for Long QT syndrome. Last evaluated: 2022-07-25. Review status: criteria provided, single submitter. Criteria: Invitae Variant Classification Sherloc (09022015). Collection method: clinical testing. Allele origin: germline.
Comment: In summary, the available evidence is currently insufficient to determine the role of this variant in disease. Therefore, it has been classified as a Variant of Uncertain Significance. Algorithms developed to predict the effect of missense changes on protein structure and function are either unavailable or do not agree on the potential impact of this missense change (SIFT: "Deleterious"; PolyPhen-2: "Probably Damaging"; Align-GVGD: "Class C0"). ClinVar contains an entry for this variant (Variation ID: 1009018). This variant has not been reported in the literature in individuals affected with ANK2-related conditions. This variant is present in population databases (rs140683986, gnomAD 0.003%). This sequence change replaces glycine, which is neutral and non-polar, with valine, which is neutral and non-polar, at codon 3135 of the ANK2 protein (p.Gly3135Val).

Ambry Genetics
Classification: Uncertain significance for Cardiovascular phenotype. Last evaluated: 2021-03-03. Review status: criteria provided, single submitter. Criteria: Ambry Variant Classification Scheme 2023. Collection method: clinical testing. Allele origin: germline.
Comment: The p.G3135V variant (also known as c.9404G>T), located in coding exon 38 of the ANK2 gene, results from a G to T substitution at nucleotide position 9404. The glycine at codon 3135 is replaced by valine, an amino acid with dissimilar properties. This exon is expressed solely in brain (Mohler PJ et al. Circulation. 2007;115(4):432-41). This amino acid position is highly conserved in available vertebrate species. In addition, this alteration is predicted to be deleterious by in silico analysis. Since supporting evidence is limited at this time, the clinical significance of this alteration remains unclear.